The following is an entry in ClinVar:

NM_020738.4(KIDINS220):c.3352C>G (p.Pro1118Ala)

Gene: KIDINS220 (kinase D interacting substrate 220; minus strand). Cytogenetic location: 2p25.1.
Variant type: single nucleotide variant.
Coding change: c.3352C>G on transcript NM_020738.4 (MANE Select); coding-DNA position 3352, C replaced by G.
Protein change: p.Pro1118Ala; replaces proline 1118 with alanine.
Molecular consequence: missense variant. On other transcripts: non-coding transcript variant (2).
Genome position (GRCh38, 1-based): chr2:8,750,174, G>C on the plus strand (C>G on the coding strand, the complement: KIDINS220 is on the minus strand). VCF-style: chr2-8750174-G-C. GRCh37 (hg19) VCF-style: chr2-8890304-G-C.
Other names: c.3355C>G, p.Pro1119Ala (NM_001348729.2, NM_001348731.2, NM_001348734.2 and 2 more transcripts); c.3352C>G, p.Pro1118Ala (NM_001348732.2, NM_001348735.2, NM_001348738.2 and 3 more transcripts); c.3226C>G, p.Pro1076Ala (NM_001348736.2); short protein forms P1118A, P1076A, P1119A.
Identifiers: ClinVar variation 2843038 (VCV002843038.3), dbSNP rs1371561597, ClinGen allele CA345771609.

ClinVar aggregate classification (germline): Uncertain significance (1 of 4 stars; one submission).

Submission:

Labcorp Genetics (formerly Invitae), Labcorp
Classification: Uncertain significance. Last evaluated: 2023-05-18. Review status: criteria provided, single submitter. Criteria: Invitae Variant Classification Sherloc (09022015). Collection method: clinical testing. Allele origin: germline.
Comment: This variant is not present in population databases (gnomAD no frequency). This sequence change replaces proline, which is neutral and non-polar, with alanine, which is neutral and non-polar, at codon 1118 of the KIDINS220 protein (p.Pro1118Ala). This variant has not been reported in the literature in individuals affected with KIDINS220-related conditions. An algorithm developed to predict the effect of missense changes on protein structure and function (PolyPhen-2) suggests that this variant is likely to be tolerated. In summary, the available evidence is currently insufficient to determine the role of this variant in disease. Therefore, it has been classified as a Variant of Uncertain Significance.